The following is an entry in ClinVar:

ClinVar aggregate classification (germline): Uncertain significance (1 of 4 stars; one submission).

Conditions:
Specific granule deficiency. Identifiers: Orphanet 169142, MedGen C0398593, MONDO:0009506.

Allele frequency attached by ClinVar (database versions not stated): gnomAD exomes below 0.00001 and 0.00001; ExAC 0.00001.

Submission:

Labcorp Genetics (formerly Invitae), Labcorp
Classification: Uncertain significance for Specific granule deficiency. Last evaluated: 2021-05-04. Review status: criteria provided, single submitter. Criteria: Invitae Variant Classification Sherloc (09022015). Collection method: clinical testing. Allele origin: germline.
Comment: This sequence change replaces leucine with phenylalanine at codon 183 of the CEBPE protein (p.Leu183Phe). The leucine residue is highly conserved and there is a small physicochemical difference between leucine and phenylalanine. This variant is present in population databases (rs775481612, ExAC 0.009%). This variant has not been reported in the literature in individuals with CEBPE-related conditions. Algorithms developed to predict the effect of missense changes on protein structure and function are either unavailable or do not agree on the potential impact of this missense change (SIFT: "Tolerated"; PolyPhen-2: "Possibly Damaging"; Align-GVGD: "Class C0"). In summary, the available evidence is currently insufficient to determine the role of this variant in disease. Therefore, it has been classified as a Variant of Uncertain Significance.

NM_001805.4(CEBPE):c.547C>T (p.Leu183Phe)

Gene: CEBPE (CCAAT enhancer binding protein epsilon; minus strand). Cytogenetic location: 14q11.2.
Variant type: single nucleotide variant.
Coding change: c.547C>T on transcript NM_001805.4 (MANE Select); coding-DNA position 547, C replaced by T.
Protein change: p.Leu183Phe; replaces leucine 183 with phenylalanine.
Molecular consequence: missense variant.
Genome position (GRCh38, 1-based): chr14:23,117,786, G>A on the plus strand (C>T on the coding strand, the complement: CEBPE is on the minus strand). VCF-style: chr14-23117786-G-A. GRCh37 (hg19) VCF-style: chr14-23586995-G-A.
Other names: short protein forms L183F.
Identifiers: ClinVar variation 1500041 (VCV001500041.7), dbSNP rs775481612, ClinGen allele CA7111154.